The following is an entry in ClinVar:

NM_000601.6(HGF):c.482+1986_482+1988del

Gene: HGF (hepatocyte growth factor; minus strand). Cytogenetic location: 7q21.11.
Variant type: Microsatellite.
Coding change: c.482+1986_482+1988del on transcript NM_000601.6 (MANE Select); bases 1986 to 1988 of the intron after coding-DNA position 482, 3 bases deleted (TGA; older notation c.482+1986_482+1988delTGA).
Molecular consequence: intron variant.
Genome position (GRCh38, 1-based): chr7:81,755,201-81,755,203, TCA deleted on the plus strand (TGA on the coding strand, the reverse complement: HGF is on the minus strand); deleting any 3 consecutive bases within chr7:81,755,201-81,755,208 gives the same sequence; the c. name uses the placement nearest the transcript's 3' end. VCF-style (leftmost placement, unchanged base first): chr7-81755200-TTCA-T. GRCh37 (hg19) VCF-style: chr7-81384516-TTCA-T.
Other names: c.482+1986_482+1988delTGA (NM_000601.6); c.482+1986_482+1988del (NM_001010932.3, NM_001010933.3, NM_001010931.3 and 1 more transcripts).
Identifiers: ClinVar variation 14950 (VCV000014950.4), dbSNP rs1788701297, ClinGen allele CA1103754011.
Genomic context (GRCh38, chr7:81,755,200, plus strand): 5'-AGATGTAGATATCAGGTCACCTGATTTTCTAGTTAAGCTTCTACATTAATTTCATCATCT[TTCA>T]TCATCTTTCCATTAAGCCACTAGTAAAATATTTCAATTTAGGGGTCAACAATAAATCATT-3'

ClinVar aggregate classification (germline): Pathogenic/Likely pathogenic. Review status: criteria provided, multiple submitters, no conflicts (2 of 4 stars). 5 submissions from 5 submitters: Pathogenic (2); Likely pathogenic (2). 1 of the submissions does not count toward it. Last evaluated 2025-12-31.

Conditions:
HGF-related disorders.
Sensorineural hearing loss disorder. Also called: Sensorineural hearing loss; Sensorineural Deafness; Sensorineural hearing impairment. Identifiers: MedGen C0018784, MeSH D006319, MONDO:0020678, HP:0000407.
Autosomal recessive nonsyndromic hearing loss 39. Identifiers: Orphanet 90636, MedGen C1842342, MONDO:0012003, OMIM 608265.

Submissions (5):

Labcorp Genetics (formerly Invitae), Labcorp
Classification: Pathogenic. Last evaluated: 2025-12-31. Review status: criteria provided, single submitter. Criteria: Invitae Variant Classification Sherloc (09022015). Collection method: clinical testing. Allele origin: germline.
Comment: This sequence change falls in intron 4 of the HGF gene. It does not directly change the encoded amino acid sequence of the HGF protein. This variant is not present in population databases (gnomAD no frequency). This variant has been observed in individual(s) with autosomal recessive deafness (PMID: 19576567, 33976695). It is commonly reported in individuals of Pakistani ancestry (PMID: 19576567, 33976695). This variant is also known as c.482+1986_1988delTGA. Algorithms developed to predict the effect of sequence changes on RNA splicing suggest that this variant is not likely to affect RNA splicing. For these reasons, this variant has been classified as Pathogenic.

First Genomix Gene Laboratory, Genetic Diagnostics Department
Classification: Likely pathogenic for Autosomal recessive nonsyndromic hearing loss 39. Last evaluated: 2025-05-19. Review status: criteria provided, single submitter. Criteria: ACMG Guidelines, 2015. Collection method: clinical testing. Allele origin: germline. Inheritance: Autosomal recessive inheritance. Affected: no. Observed: 1 variant allele.

Laboratory of Dr. Barbara Vona, University Medical Center Göttingen
Classification: Pathogenic for Sensorineural hearing loss disorder. Last evaluated: 2024-12-20. Review status: criteria provided, single submitter. Criteria: ClinGen HL ACMG Specifications v1. Collection method: clinical testing. Allele origin: germline. Affected: yes.

Blueprint Genetics
Classification: Likely pathogenic for HGF-related disorders. Last evaluated: 2024-03-18. Review status: criteria provided, single submitter. Criteria: ACMG Guidelines, 2015. Collection method: clinical testing. Allele origin: germline. Affected: yes. Observed: 2 variant alleles.

OMIM
Classification: Pathogenic for DEAFNESS, AUTOSOMAL RECESSIVE 39. Last evaluated: 2009-07-01. Review status: no assertion criteria provided. Collection method: literature only. Allele origin: germline. Not counted in ClinVar's aggregate classification.

Literature cited by the submitters: PubMed 19576567 (cited by Labcorp Genetics (formerly Invitae), Labcorp and OMIM); PubMed 33976695 (cited by Labcorp Genetics (formerly Invitae), Labcorp); PubMed 40377830 (cited by Laboratory of Dr. Barbara Vona, University Medical Center Göttingen).